The following is an entry in ClinVar:

ClinVar aggregate classification (germline): Uncertain significance (1 of 4 stars; one submission).

Conditions:
Inborn genetic diseases. Identifiers: MedGen C0950123, MeSH D030342.

Submission:

Ambry Genetics
Classification: Uncertain significance for Inborn genetic diseases. Last evaluated: 2025-09-11. Review status: criteria provided, single submitter. Criteria: Ambry Variant Classification Scheme 2023. Collection method: clinical testing. Allele origin: germline.
Comment: The p.V723A variant (also known as c.2168T>C), located in coding exon 21 of the ANKRD26 gene, results from a T to C substitution at nucleotide position 2168. The valine at codon 723 is replaced by alanine, an amino acid with similar properties. This amino acid position is conserved. In addition, this alteration is predicted to be tolerated by in silico analysis. Based on the available evidence, the clinical significance of this variant remains unclear.

NM_014915.3(ANKRD26):c.2168T>C (p.Val723Ala)

Gene: ANKRD26 (ankyrin repeat domain containing 26; minus strand). Cytogenetic location: 10p12.1.
Variant type: single nucleotide variant.
Coding change: c.2168T>C on transcript NM_014915.3 (MANE Select); coding-DNA position 2168, T replaced by C.
Protein change: p.Val723Ala; replaces valine 723 with alanine.
Molecular consequence: missense variant.
Genome position (GRCh38, 1-based): chr10:27,040,172, A>G on the plus strand (T>C on the coding strand, the complement: ANKRD26 is on the minus strand). VCF-style: chr10-27040172-A-G. GRCh37 (hg19) VCF-style: chr10-27329101-A-G.
Other names: c.2165T>C, p.Val722Ala (NM_001256053.2); short protein forms V723A, V722A.
Identifiers: ClinVar variation 4104804 (VCV004104804.1).
Genomic context (GRCh38, chr10:27,040,172, plus strand): 5'-TTTTTAAGTTCTAATAATCTTTCACATGAAAGAGCTGCATCCTGGATTTTCAATAGGCTA[A>G]CAGAATCTGTATCAGGAAGAAAACAAGATAGAAATATATGAGCATTTTTCCATATAACAC-3'
Protein context (NP_055730.2, residues 713-733): EQLGMECKDS[Val723Ala]SLLKIQDAAL